The following is an entry in ClinVar:

NM_001114753.3(ENG):c.971C>A (p.Ser324Ter)

Gene: ENG (endoglin; minus strand). Cytogenetic location: 9q34.11.
Variant type: single nucleotide variant.
Coding change: c.971C>A on transcript NM_001114753.3 (MANE Select); coding-DNA position 971, C replaced by A.
Protein change: p.Ser324Ter; replaces serine 324 with a stop codon.
Molecular consequence: nonsense.
Genome position (GRCh38, 1-based): chr9:127,824,820, G>T on the plus strand (C>A on the coding strand, the complement: ENG is on the minus strand). VCF-style: chr9-127824820-G-T. GRCh37 (hg19) VCF-style: chr9-130587099-G-T.
Other names: c.971C>A, p.Ser324Ter (NM_000118.4, NM_001406715.1); c.425C>A, p.Ser142Ter (NM_001278138.2); short protein forms S324*, S142*.
Identifiers: ClinVar variation 3721977 (VCV003721977.2).

ClinVar aggregate classification (germline): Pathogenic (1 of 4 stars; one submission).

Conditions:
Hereditary hemorrhagic telangiectasia (HHT). Also called: ORW DISEASE; Osler Weber Rendu syndrome; OSLER-RENDU-WEBER DISEASE; Osler hemorrhagic telangiectasia syndrome. Identifiers: Orphanet 774, MedGen C0039445, MONDO:0019180. Disease mechanism: loss of function.

Submission:

Labcorp Genetics (formerly Invitae), Labcorp
Classification: Pathogenic for Hereditary hemorrhagic telangiectasia. Last evaluated: 2024-10-01. Review status: criteria provided, single submitter. Criteria: Invitae Variant Classification Sherloc (09022015). Collection method: clinical testing. Allele origin: germline.
Comment: This sequence change creates a premature translational stop signal (p.Ser324*) in the ENG gene. It is expected to result in an absent or disrupted protein product. Loss-of-function variants in ENG are known to be pathogenic (PMID: 15879500). This variant is not present in population databases (gnomAD no frequency). This variant has not been reported in the literature in individuals affected with ENG-related conditions. For these reasons, this variant has been classified as Pathogenic.

Literature cited by the submitters: PubMed 15879500.